The following is an entry in ClinVar:

NM_001089.3(ABCA3):c.2199C>T (p.Ile733=)

Gene: ABCA3 (ATP binding cassette subfamily A member 3; minus strand). Cytogenetic location: 16p13.3.
Variant type: single nucleotide variant.
Coding change: c.2199C>T on transcript NM_001089.3 (MANE Select); coding-DNA position 2199, C replaced by T.
Protein change: p.Ile733=; no amino-acid change (isoleucine 733 retained).
Molecular consequence: synonymous variant.
Genome position (GRCh38, 1-based): chr16:2,297,393, G>A on the plus strand (C>T on the coding strand, the complement: ABCA3 is on the minus strand). VCF-style: chr16-2297393-G-A. GRCh37 (hg19) VCF-style: chr16-2347394-G-A.
Identifiers: ClinVar variation 178695 (VCV000178695.19), dbSNP rs138901284, ClinGen allele CA182800.

ClinVar aggregate classification (germline): Likely benign. Review status: criteria provided, multiple submitters, no conflicts (2 of 4 stars). 5 submissions from 5 submitters: Likely benign (4). 1 of the submissions does not count toward it. Last evaluated 2026-02-04.

Conditions:
Hereditary pulmonary alveolar proteinosis. Also called: Pulmonary surfactant metabolism dysfunction. Identifiers: Orphanet 264675, MedGen C3711368, MONDO:0012580.
ABCA3-related disorder. Also called: ABCA3-related condition.

Allele frequency attached by ClinVar (database versions not stated): 1000 Genomes Project 0.00020; 1000 Genomes Project 30x 0.00031; ExAC 0.00035; TOPMed 0.00044; ESP Exome Variant Server 0.00062.
gnomAD v4.1: 1,059 of 1,613,512 alleles (0.066%); highest among the groups gnomAD compares: East Asian, 0.13%; 1 homozygote.

Submissions (5):

Labcorp Genetics (formerly Invitae), Labcorp
Classification: Likely benign. Last evaluated: 2026-02-04. Review status: criteria provided, single submitter. Criteria: Invitae Variant Classification Sherloc (09022015). Collection method: clinical testing. Allele origin: germline.

Blueprint Genetics
Classification: Likely benign. Last evaluated: 2024-11-15. Review status: criteria provided, single submitter. Criteria: ACMG Guidelines, 2015. Collection method: clinical testing. Allele origin: germline.

Ambry Genetics
Classification: Likely benign for Hereditary pulmonary alveolar proteinosis. Last evaluated: 2015-01-27. Review status: criteria provided, single submitter. Criteria: Ambry Variant Classification Scheme 2023. Collection method: clinical testing. Allele origin: germline.

Laboratory for Molecular Medicine, Mass General Brigham Personalized Medicine
Classification: Likely benign. Last evaluated: 2013-02-21. Review status: criteria provided, single submitter. Criteria: LMM Criteria. Collection method: clinical testing. Allele origin: germline. Observed: 1 variant allele.
Comment: Ile733Ile in exon 17 of ABCA3: This variant is not expected to have clinical sig nificance because it does not alter an amino acid residue and is not located wit hin the splice consensus sequence. It has been identified in 0.1% (8/8600) of Eu ropean American chromosomes from a broad population by the NHLBI Exome Sequencin g Project (dbSNP rs138901284).

PreventionGenetics, part of Exact Sciences
Classification: Likely benign for ABCA3-related condition. Last evaluated: 2019-05-03. Review status: no assertion criteria provided. Collection method: clinical testing. Allele origin: germline. Not counted in ClinVar's aggregate classification.
Comment: This variant is classified as likely benign based on ACMG/AMP sequence variant interpretation guidelines (Richards et al. 2015 PMID: 25741868, with internal and published modifications).

Literature cited by the submitters: PubMed 24657120 (cited by Ambry Genetics).